The following is an entry in ClinVar:

NM_004813.4(PEX16):c.18C>G (p.Leu6=)

Gene: PEX16 (peroxisomal biogenesis factor 16; minus strand). Cytogenetic location: 11p11.2.
Variant type: single nucleotide variant.
Coding change: c.18C>G on transcript NM_004813.4 (MANE Select); coding-DNA position 18, C replaced by G.
Protein change: p.Leu6=; no amino-acid change (leucine 6 retained).
Molecular consequence: synonymous variant.
Genome position (GRCh38, 1-based): chr11:45,917,794, G>C on the plus strand (C>G on the coding strand, the complement: PEX16 is on the minus strand). VCF-style: chr11-45917794-G-C. GRCh37 (hg19) VCF-style: chr11-45939345-G-C.
Other names: p.Leu6=; c.18C>G (NM_004813.2, NM_004813.3); c.18C>G, p.Leu6= (NM_057174.3).
Identifiers: ClinVar variation 598598 (VCV000598598.16), dbSNP rs921940265, ClinGen allele CA221592762.

ClinVar aggregate classification (germline): Conflicting classifications of pathogenicity. Review status: criteria provided, conflicting classifications (1 of 4 stars). 5 submissions from 5 submitters: Uncertain significance (1); Likely benign (4). Last evaluated 2025-12-19.

Conditions:
PEX16-related disorder. Also called: PEX16-related condition.
Peroxisome biogenesis disorder. Identifiers: Orphanet 79189, MedGen C1832200, MONDO:0019234. Disease mechanism: loss of function.

Allele frequency attached by ClinVar (database versions not stated): TOPMed 0.00002; gnomAD 0.00003 and 0.00004; gnomAD exomes 0.00003 and 0.00006.
gnomAD v4.1: 97 of 1,544,318 alleles (0.0063%); highest among the groups gnomAD compares: Non-Finnish European, 0.0077%; no homozygotes.

Submissions (5):

PreventionGenetics, part of Exact Sciences
Classification: Likely benign for PEX16-related condition. Last evaluated: 2025-12-19. Review status: criteria provided, single submitter. Criteria: ACMG Guidelines, 2015. Collection method: clinical testing. Allele origin: germline.
Comment: This variant is classified as likely benign based on ACMG/AMP sequence variant interpretation guidelines (Richards et al. 2015 PMID: 25741868, with internal and published modifications).

Labcorp Genetics (formerly Invitae), Labcorp
Classification: Likely benign for Peroxisome biogenesis disorder. Last evaluated: 2025-10-13. Review status: criteria provided, single submitter. Criteria: Invitae Variant Classification Sherloc (09022015). Collection method: clinical testing. Allele origin: germline.

Mayo Clinic Laboratories, Mayo Clinic
Classification: Likely benign. Last evaluated: 2025-03-28. Review status: criteria provided, single submitter. Criteria: ACMG Guidelines, 2015. Collection method: clinical testing. Allele origin: germline. Observed: 1 variant allele.
Comment: BP4, BP7

Blueprint Genetics
Classification: Likely benign. Last evaluated: 2024-10-08. Review status: criteria provided, single submitter. Criteria: ACMG Guidelines, 2015. Collection method: clinical testing. Allele origin: germline.

Eurofins Ntd Llc (ga)
Classification: Uncertain significance. Last evaluated: 2018-08-30. Review status: criteria provided, single submitter. Criteria: EGL ClinVar v180209 classification definitions. Collection method: clinical testing. Allele origin: germline. Observed: 1 variant allele, 1 heterozygote.